The following is an entry in ClinVar:

ClinVar aggregate classification (germline): Likely benign (1 of 4 stars; one submission).

Conditions:
CLDN16-related disorder. Also called: CLDN16-related condition.

gnomAD v4.1: 45 of 1,613,998 alleles (0.0028%); highest among the groups gnomAD compares: Non-Finnish European, 0.0035%; no homozygotes.

Submission:

PreventionGenetics, part of Exact Sciences
Classification: Likely benign for CLDN16-related condition. Last evaluated: 2026-05-29. Review status: criteria provided, single submitter. Criteria: ACMG Guidelines, 2015. Collection method: clinical testing. Allele origin: germline.
Comment: This variant is classified as likely benign based on ACMG/AMP sequence variant interpretation guidelines (Richards et al. 2015 PMID: 25741868, with internal and published modifications).

NM_006580.4(CLDN16):c.489T>A (p.Gly163=)

Gene: CLDN16 (claudin 16; plus strand). Cytogenetic location: 3q28.
Variant type: single nucleotide variant.
Coding change: c.489T>A on transcript NM_006580.4 (MANE Select); coding-DNA position 489, T replaced by A.
Protein change: p.Gly163=; no amino-acid change (glycine 163 retained).
Molecular consequence: synonymous variant.
Genome position (GRCh38, 1-based): chr3:190,408,420, T>A. VCF-style: chr3-190408420-T-A. GRCh37 (hg19) VCF-style: chr3-190126209-T-A.
Other names: c.489T>A, p.Gly163= (NM_001378492.1, NM_001378493.1).
Identifiers: ClinVar variation 4990794 (VCV004990794.1).